The following is an entry in ClinVar:

NM_004385.5(VCAN):c.7187C>T (p.Thr2396Ile)

Genes: VCAN (versican; plus strand), VCAN-AS1 (VCAN antisense RNA 1; minus strand). Cytogenetic location: 5q14.3.
Variant type: single nucleotide variant.
Coding change: c.7187C>T on transcript NM_004385.5 (MANE Select); coding-DNA position 7187, C replaced by T.
Protein change: p.Thr2396Ile; replaces threonine 2396 with isoleucine.
Molecular consequence: missense variant. On other transcripts: intron variant (2).
Genome position (GRCh38, 1-based): chr5:83,540,190, C>T. VCF-style: chr5-83540190-C-T. GRCh37 (hg19) VCF-style: chr5-82836009-C-T.
Other names: c.4226C>T, p.Thr1409Ile (NM_001164097.2); c.4004-5347C>T (NM_001164098.2); c.1043-5347C>T (NM_001126336.3); short protein forms T2396I, T1409I.
Identifiers: ClinVar variation 2996813 (VCV002996813.3), dbSNP rs201401506, ClinGen allele CA121810790.

ClinVar aggregate classification (germline): Uncertain significance (1 of 4 stars; one submission).

Allele frequency attached by ClinVar (database versions not stated): TOPMed below 0.00001; gnomAD 0.00001; gnomAD exomes 0.00001.
gnomAD v4.1: 9 of 1,613,912 alleles (0.00056%); highest among the groups gnomAD compares: Non-Finnish European, 0.00076%; no homozygotes.

Submission:

Labcorp Genetics (formerly Invitae), Labcorp
Classification: Uncertain significance. Last evaluated: 2023-03-01. Review status: criteria provided, single submitter. Criteria: Invitae Variant Classification Sherloc (09022015). Collection method: clinical testing. Allele origin: germline.
Comment: In summary, the available evidence is currently insufficient to determine the role of this variant in disease. Therefore, it has been classified as a Variant of Uncertain Significance. An algorithm developed to predict the effect of missense changes on protein structure and function (PolyPhen-2) suggests that this variant is likely to be tolerated. This variant has not been reported in the literature in individuals affected with VCAN-related conditions. This variant is not present in population databases (gnomAD no frequency). This sequence change replaces threonine, which is neutral and polar, with isoleucine, which is neutral and non-polar, at codon 2396 of the VCAN protein (p.Thr2396Ile).